The following is an entry in ClinVar:

NM_006701.5(TXNL4A):c.423C>T (p.Arg141=)

Gene: TXNL4A (thioredoxin like 4A; minus strand). Cytogenetic location: 18q23.
Variant type: single nucleotide variant.
Coding change: c.423C>T on transcript NM_006701.5 (MANE Select); coding-DNA position 423, C replaced by T.
Protein change: p.Arg141=; no amino-acid change (arginine 141 retained).
Molecular consequence: synonymous variant. On other transcripts: non-coding transcript variant (3).
Genome position (GRCh38, 1-based): chr18:79,973,691, G>A on the plus strand (C>T on the coding strand, the complement: TXNL4A is on the minus strand). VCF-style: chr18-79973691-G-A. GRCh37 (hg19) VCF-style: chr18-77733691-G-A.
Other names: c.306C>T, p.Arg102= (NM_001303471.3); c.399C>T, p.Arg133= (NM_001305557.2); c.210C>T, p.Arg70= (NM_001305563.2, NM_001305564.2).
Identifiers: ClinVar variation 722554 (VCV000722554.31), dbSNP rs143131944, ClinGen allele CA9011582.
Genomic context (GRCh38, chr18:79,973,691, plus strand): 5'-CGTTTCCATACAAAAAGGGCTCCACGACATTTATCCGCGCAGACTGAGGGCGCCTCAGTA[G>A]CGGTACTTGGTGGAGTAGTCCTTGGGGGACACCACCAGGCCGCGGCCTTTGCGGGCCCCG-3'
Protein context (NP_006692.1, residues 131-142): VSPKDYSTKY[Arg141=]Y

ClinVar aggregate classification (germline): Benign/Likely benign. Review status: criteria provided, multiple submitters, no conflicts (2 of 4 stars). 5 submissions from 5 submitters: Benign (2); Likely benign (3). Last evaluated 2025-03-01.

Conditions:
Choanal atresia-hearing loss-cardiac defects-craniofacial dysmorphism syndrome (BMKS). Also called: Burn-McKeown Syndrome (BMKS); OCULOOTOFACIAL DYSPLASIA; Burn-McKeown syndrome; Branchio oculo facial syndrome Hing type. Identifiers: Orphanet 1200, MedGen C1837822, MONDO:0012064, OMIM 608572.

Allele frequency attached by ClinVar (database versions not stated): gnomAD 0.00053 and 0.00067; TOPMed 0.00060; ESP Exome Variant Server 0.00062; gnomAD exomes 0.00091 and 0.00137; 1000 Genomes Project 30x 0.00094; 1000 Genomes Project 0.00100; ExAC 0.00126.
gnomAD v4.1: 1,460 of 1,612,474 alleles (0.091%); highest among the groups gnomAD compares: Middle Eastern, 0.89%; 9 homozygotes.

Submissions (5):

CeGaT Center for Human Genetics Tuebingen
Classification: Likely benign. Last evaluated: 2025-03-01. Review status: criteria provided, single submitter. Criteria: CeGaT Center For Human Genetics Tuebingen Variant Classification Criteria Version 2. Collection method: clinical testing. Allele origin: germline. Affected: yes. Observed: 2 variant alleles.
Comment: TXNL4A: BP4, BP7

Blueprint Genetics
Classification: Likely benign. Last evaluated: 2024-11-18. Review status: criteria provided, single submitter. Criteria: ACMG Guidelines, 2015. Collection method: clinical testing. Allele origin: germline.

Fulgent Genetics
Classification: Likely benign for Choanal atresia-hearing loss-cardiac defects-craniofacial dysmorphism syndrome. Last evaluated: 2021-08-23. Review status: criteria provided, single submitter. Criteria: ACMG Guidelines, 2015. Collection method: clinical testing. Allele origin: unknown.

Labcorp Genetics (formerly Invitae), Labcorp
Classification: Benign. Last evaluated: 2019-12-31. Review status: criteria provided, single submitter. Criteria: Invitae Variant Classification Sherloc (09022015). Collection method: clinical testing. Allele origin: germline.

Breakthrough Genomics
Classification: Benign. Review status: criteria provided, single submitter. Criteria: ACMG Guidelines, 2015. Collection method: not provided. Allele origin: germline. Inheritance: Autosomal recessive inheritance. Affected: yes.